The following is an entry in ClinVar:

NM_006493.4(CLN5):c.61C>T (p.Arg21Trp)

Genes: CLN5 (CLN5 lysosomal BMP synthase; plus strand), LOC130009913 (ATAC-STARR-seq lymphoblastoid silent region 5414; plus strand). Cytogenetic location: 13q22.3.
Variant type: single nucleotide variant.
Coding change: c.61C>T on transcript NM_006493.4 (MANE Select); coding-DNA position 61, C replaced by T.
Protein change: p.Arg21Trp; replaces arginine 21 with tryptophan.
Molecular consequence: missense variant.
Genome position (GRCh38, 1-based): chr13:76,992,159, C>T. VCF-style: chr13-76992159-C-T. GRCh37 (hg19) VCF-style: chr13-77566294-C-T.
Other names: p.R70W:CGG>TGG; c.208C>T (LRG_692t1); c.61C>T, p.Arg21Trp (NM_001366624.2); short protein forms R21W.
Identifiers: ClinVar variation 205141 (VCV000205141.18), dbSNP rs376454715, ClinGen allele CA313909.

ClinVar aggregate classification (germline): Conflicting classifications of pathogenicity. Review status: criteria provided, conflicting classifications (1 of 4 stars). 8 submissions from 8 submitters: Uncertain significance (5); Likely benign (1). 2 of the submissions do not count toward it. Last evaluated 2024-01-19.

Conditions:
Neuronal ceroid lipofuscinosis. Also called: Neuronal Ceroid Lipofuscinoses. Identifiers: Orphanet 216, Orphanet 79263, MedGen C0027877, MONDO:0016295. Disease mechanism: loss of function.
Inborn genetic diseases. Identifiers: MedGen C0950123, MeSH D030342.
Neuronal ceroid lipofuscinosis 5 (CLN5). Also called: CEROID LIPOFUSCINOSIS, NEURONAL, 5, VARIABLE AGE AT ONSET; CLN5-Related Neuronal Ceroid-Lipofuscinosis; Neuronal ceroid lipofuscinosis Finnish variant; NEURONAL CEROID LIPOFUSCINOSIS, LATE INFANTILE, FINNISH VARIANT. Identifiers: Orphanet 168491, Orphanet 228360, MedGen C1850442, MONDO:0009745, OMIM 256731.

Allele frequency attached by ClinVar (database versions not stated): gnomAD 0.00001 and 0.00003; TOPMed 0.00002; gnomAD exomes 0.00006 and 0.00012; ExAC 0.00016; ESP Exome Variant Server 0.00016; 1000 Genomes Project 30x 0.00031; 1000 Genomes Project 0.00040.

Submissions (8):

Ambry Genetics
Classification: Likely benign for Inborn genetic diseases. Last evaluated: 2024-01-19. Review status: criteria provided, single submitter. Criteria: Ambry Variant Classification Scheme 2023. Collection method: clinical testing. Allele origin: germline.

Revvity Omics, Revvity
Classification: Uncertain significance for Neuronal ceroid lipofuscinosis 5. Last evaluated: 2023-12-20. Review status: criteria provided, single submitter. Criteria: ACMG Guidelines, 2015. Collection method: clinical testing. Allele origin: germline.

Labcorp Genetics (formerly Invitae), Labcorp
Classification: Uncertain significance for Neuronal ceroid lipofuscinosis. Last evaluated: 2022-08-23. Review status: criteria provided, single submitter. Criteria: Invitae Variant Classification Sherloc (09022015). Collection method: clinical testing. Allele origin: germline.
Comment: This sequence change replaces arginine, which is basic and polar, with tryptophan, which is neutral and slightly polar, at codon 70 of the CLN5 protein (p.Arg70Trp). This variant is present in population databases (rs376454715, gnomAD 0.06%). This variant has not been reported in the literature in individuals affected with CLN5-related conditions. ClinVar contains an entry for this variant (Variation ID: 205141). Algorithms developed to predict the effect of missense changes on protein structure and function are either unavailable or do not agree on the potential impact of this missense change (SIFT: "Deleterious"; PolyPhen-2: "Possibly Damaging"; Align-GVGD: "Class C0"). In summary, the available evidence is currently insufficient to determine the role of this variant in disease. Therefore, it has been classified as a Variant of Uncertain Significance.

Genome-Nilou Lab
Classification: Uncertain significance for Neuronal ceroid lipofuscinosis 5. Last evaluated: 2021-09-05. Review status: criteria provided, single submitter. Criteria: ACMG Guidelines, 2015. Collection method: clinical testing. Allele origin: germline. Affected: no.

Illumina Laboratory Services, Illumina
Classification: Uncertain significance for Neuronal ceroid lipofuscinosis 5. Last evaluated: 2018-01-13. Review status: criteria provided, single submitter. Criteria: ICSL Variant Classification Criteria 13 December 2019. Collection method: clinical testing. Allele origin: germline.

GeneDx
Classification: Uncertain significance. Last evaluated: 2016-07-01. Review status: criteria provided, single submitter. Criteria: GeneDx Variant Classification (06012015). Collection method: clinical testing. Allele origin: germline. Affected: yes.
Comment: The R70W variant has not been publishedas a pathogenic variant, nor has it been reported as a benign variant to our knowledge. The R70W variant was notobserved with any significant frequency in approximately 6,200 individuals of European and African Americanancestry in the NHLBI Exome Sequencing Project, but the 1000 Genomes Project reports it was observed in 2/978(0.2%) alleles from individuals of South Asian background. The R70W variant is a non-conservative amino acidsubstitution, which is likely to impact secondary protein structure as these residues differ in polarity, charge, sizeand/or other properties. However, this substitution occurs at a position that is not conserved. In silico analysis isinconsistent in its predictions as to whether or not the variant is damaging to the protein structure/function. Therefore,based on the currently available information, it is unclear whether this variant is a pathogenic variant or a rare benignvariant.

Natera, Inc.
Classification: Uncertain significance for Neuronal ceroid lipofuscinosis. Last evaluated: 2020-01-24. Review status: no assertion criteria provided. Collection method: clinical testing. Allele origin: germline. Not counted in ClinVar's aggregate classification.

Department of Pathology and Laboratory Medicine, Sinai Health System
Classification: Uncertain significance. Review status: no assertion criteria provided. Collection method: clinical testing. Allele origin: unknown. Affected: yes. Study: The Canadian Open Genetics Repository (COGR). Not counted in ClinVar's aggregate classification.
Comment: The CLN5 p.R21W variant was not identified in the literature but was identified in dbSNP (ID: rs376454715) and ClinVar (classified as uncertain significance by Invitae, GeneDx and Illumina). The variant was identified in control databases in 26 of 222450 chromosomes at a frequency of 0.0001169 (Genome Aggregation Database March 6, 2019, v2.1.1). The pR21 residue is not conserved in mammals and computational analyses (MUT Assesor, PolyPhen-2, SIFT, MutationTaster, Revel, FATHMM, MetaLR, DANN) do not suggest a high likelihood of impact to the protein; this information is not predictive enough to rule out pathogenicity. The variant occurs outside of the splicing consensus sequence and in silico or computational prediction software programs (Splice AI exome) do not predict a deleterious effect on splicing. In summary, based on the above information the clinical significance of this variant cannot be determined with certainty at this time. This variant is classified as a variant of uncertain significance.